The following is an entry in ClinVar:

ClinVar aggregate classification (germline): Uncertain significance (1 of 4 stars; one submission).

Conditions:
Hereditary cancer-predisposing syndrome. Also called: Hereditary Cancer Syndrome; Hereditary neoplastic syndrome; Neoplastic Syndromes, Hereditary; Tumor predisposition. Identifiers: Orphanet 140162, MedGen C0027672, MeSH D009386, MONDO:0015356.

gnomAD v4.1: 1 of 1,614,174 alleles (0.000062%); highest among the groups gnomAD compares: East Asian, 0.0022%; no homozygotes.

Submission:

Ambry Genetics
Classification: Uncertain significance for Hereditary cancer-predisposing syndrome. Last evaluated: 2025-06-12. Review status: criteria provided, single submitter. Criteria: Ambry Variant Classification Scheme 2023. Collection method: clinical testing. Allele origin: germline.
Comment: The p.P114H variant (also known as c.341C>A), located in coding exon 2 of the MSH6 gene, results from a C to A substitution at nucleotide position 341. The proline at codon 114 is replaced by histidine, an amino acid with similar properties. This amino acid position is conserved. In addition, the in silico prediction for this alteration is inconclusive. Based on the available evidence, the clinical significance of this variant remains unclear.

NM_000179.3(MSH6):c.341C>A (p.Pro114His)

Gene: MSH6 (mutS homolog 6; plus strand). Cytogenetic location: 2p16.3.
Variant type: single nucleotide variant.
Coding change: c.341C>A on transcript NM_000179.3 (MANE Select); coding-DNA position 341, C replaced by A.
Protein change: p.Pro114His; replaces proline 114 with histidine.
Molecular consequence: missense variant. On other transcripts: 5 prime UTR variant (7), non-coding transcript variant (5), intron variant (6).
Genome position (GRCh38, 1-based): chr2:47,791,007, C>A. VCF-style: chr2-47791007-C-A. GRCh37 (hg19) VCF-style: chr2-48018146-C-A.
Other names: c.-396C>A (NM_001281493.2, NM_001406811.1, NM_001406823.1 and 1 more transcripts); c.-562C>A (NM_001281494.2); c.437C>A, p.Pro146His (NM_001406795.1, NM_001406802.1); c.341C>A, p.Pro114His (NM_001406796.1, NM_001406798.1, NM_001406800.1 and 6 more transcripts); c.44C>A, p.Pro15His (NM_001406797.1, NM_001406801.1, NM_001406805.1 and 10 more transcripts); c.263C>A, p.Pro88His (NM_001406804.1); c.-588C>A (NM_001406807.1); c.-654C>A (NM_001406814.1); and 6 more; short protein forms P58H, P114H, P146H, P88H, P15H.
Identifiers: ClinVar variation 3913755 (VCV003913755.1).